The following is an entry in ClinVar:

ClinVar aggregate classification (germline): Uncertain significance (1 of 4 stars; one submission).

Conditions:
Ataxia-telangiectasia syndrome (AT). Also called: Ataxia telangiectasia (A-T); ATAXIA-TELANGIECTASIA, COMPLEMENTATION GROUP A; ATAXIA-TELANGIECTASIA, FRESNO VARIANT; Ataxia-telangiectasia; Ataxia-telangiectasia, complementation group E; LOUIS-BAR SYNDROME. Identifiers: Orphanet 100, MedGen C0004135, MONDO:0008840, OMIM 208900.

Submission:

Labcorp Genetics (formerly Invitae), Labcorp
Classification: Uncertain significance for Ataxia-telangiectasia syndrome. Last evaluated: 2024-10-16. Review status: criteria provided, single submitter. Criteria: Invitae Variant Classification Sherloc (09022015). Collection method: clinical testing. Allele origin: germline.
Comment: This sequence change replaces isoleucine, which is neutral and non-polar, with lysine, which is basic and polar, at codon 2583 of the ATM protein (p.Ile2583Lys). This variant is not present in population databases (gnomAD no frequency). This variant has not been reported in the literature in individuals affected with ATM-related conditions. ClinVar contains an entry for this variant (Variation ID: 1026928). Invitae Evidence Modeling of protein sequence and biophysical properties (such as structural, functional, and spatial information, amino acid conservation, physicochemical variation, residue mobility, and thermodynamic stability) indicates that this missense variant is not expected to disrupt ATM protein function with a negative predictive value of 95%. In summary, the available evidence is currently insufficient to determine the role of this variant in disease. Therefore, it has been classified as a Variant of Uncertain Significance.

NM_000051.4(ATM):c.7748T>A (p.Ile2583Lys)

Genes: ATM (ATM serine/threonine kinase; plus strand), C11orf65 (chromosome 11 open reading frame 65; minus strand). Cytogenetic location: 11q22.3.
Variant type: single nucleotide variant.
Coding change: c.7748T>A on transcript NM_000051.4 (MANE Select); coding-DNA position 7748, T replaced by A.
Protein change: p.Ile2583Lys; replaces isoleucine 2583 with lysine.
Molecular consequence: missense variant. On other transcripts: intron variant (2).
Genome position (GRCh38, 1-based): chr11:108,331,997, T>A. VCF-style: chr11-108331997-T-A. GRCh37 (hg19) VCF-style: chr11-108202724-T-A.
Other names: c.7748T>A, p.Ile2583Lys (NM_001351834.2); c.641-22926A>T (NM_001330368.2); c.*38+3223A>T (NM_001351110.2); short protein forms I2583K.
Identifiers: ClinVar variation 1026928 (VCV001026928.9), dbSNP rs2086307984, ClinGen allele CA382561138.